The following is an entry in ClinVar:

ClinVar aggregate classification (germline): Uncertain significance (1 of 4 stars; one submission).

Submission:

Labcorp Genetics (formerly Invitae), Labcorp
Classification: Uncertain significance. Last evaluated: 2022-08-19. Review status: criteria provided, single submitter. Criteria: Invitae Variant Classification Sherloc (09022015). Collection method: clinical testing. Allele origin: germline.
Comment: Variants that disrupt the consensus splice site are a relatively common cause of aberrant splicing (PMID: 17576681, 9536098). Algorithms developed to predict the effect of sequence changes on RNA splicing suggest that this variant is not likely to affect RNA splicing. In summary, the available evidence is currently insufficient to determine the role of this variant in disease. Therefore, it has been classified as a Variant of Uncertain Significance. This variant is not present in population databases (gnomAD no frequency). This variant has not been reported in the literature in individuals affected with PPP2CA-related conditions. This sequence change falls in intron 5 of the PPP2CA gene. It does not directly change the encoded amino acid sequence of the PPP2CA protein. It affects a nucleotide within the consensus splice site.

Literature cited by the submitters: PubMed 17576681; PubMed 9536098.

NM_002715.4(PPP2CA):c.739-3C>A

Gene: PPP2CA (protein phosphatase 2 catalytic subunit alpha; minus strand). Cytogenetic location: 5q31.1.
Variant type: single nucleotide variant.
Coding change: c.739-3C>A on transcript NM_002715.4 (MANE Select); 3 bases into the intron before coding-DNA position 739, C replaced by A.
Molecular consequence: intron variant.
Genome position (GRCh38, 1-based): chr5:134,199,207, G>T on the plus strand (C>A on the coding strand, the complement: PPP2CA is on the minus strand). VCF-style: chr5-134199207-G-T. GRCh37 (hg19) VCF-style: chr5-133534898-G-T.
Other names: c.544-3C>A (NM_001355019.2).
Identifiers: ClinVar variation 2024989 (VCV002024989.4), dbSNP rs2149382672, ClinGen allele CA2580072732.